The following is an entry in ClinVar:

ClinVar aggregate classification (germline): Uncertain significance (1 of 4 stars; one submission).

Conditions:
EGFR-related lung cancer (EGFR). Identifiers: MedGen CN130014.

Submission:

Labcorp Genetics (formerly Invitae), Labcorp
Classification: Uncertain significance for EGFR-related lung cancer. Last evaluated: 2022-08-23. Review status: criteria provided, single submitter. Criteria: Invitae Variant Classification Sherloc (09022015). Collection method: clinical testing. Allele origin: germline.
Comment: This sequence change replaces asparagine, which is neutral and polar, with isoleucine, which is neutral and non-polar, at codon 603 of the EGFR protein (p.Asn603Ile). This variant is not present in population databases (gnomAD no frequency). In summary, the available evidence is currently insufficient to determine the role of this variant in disease. Therefore, it has been classified as a Variant of Uncertain Significance. Algorithms developed to predict the effect of missense changes on protein structure and function are either unavailable or do not agree on the potential impact of this missense change (SIFT: "Deleterious"; PolyPhen-2: "Benign"; Align-GVGD: "Class C0"). ClinVar contains an entry for this variant (Variation ID: 1483495). This variant has not been reported in the literature in individuals affected with EGFR-related conditions.

NM_005228.5(EGFR):c.1808A>T (p.Asn603Ile)

Gene: EGFR (epidermal growth factor receptor; plus strand). Cytogenetic location: 7p11.2.
Variant type: single nucleotide variant.
Coding change: c.1808A>T on transcript NM_005228.5 (MANE Select); coding-DNA position 1808, A replaced by T.
Protein change: p.Asn603Ile; replaces asparagine 603 with isoleucine.
Molecular consequence: missense variant.
Genome position (GRCh38, 1-based): chr7:55,165,365, A>T. VCF-style: chr7-55165365-A-T. GRCh37 (hg19) VCF-style: chr7-55233058-A-T.
Other names: c.1673A>T, p.Asn558Ile (NM_001346897.2, NM_001346899.2); c.1808A>T, p.Asn603Ile (NM_001346898.2, NM_201282.2, NM_201284.2); c.1649A>T, p.Asn550Ile (NM_001346900.2); c.1007A>T, p.Asn336Ile (NM_001346941.2); short protein forms N558I, N336I, N550I, N603I.
Identifiers: ClinVar variation 1483495 (VCV001483495.8), dbSNP rs2128946331, ClinGen allele CA367580912.